The following is an entry in ClinVar:

NM_001134673.4(NFIA):c.1106A>G (p.His369Arg)

Gene: NFIA (nuclear factor I A; plus strand). Cytogenetic location: 1p31.3.
Variant type: single nucleotide variant.
Coding change: c.1106A>G on transcript NM_001134673.4 (MANE Select); coding-DNA position 1106, A replaced by G.
Protein change: p.His369Arg; replaces histidine 369 with arginine.
Molecular consequence: missense variant.
Genome position (GRCh38, 1-based): chr1:61,404,134, A>G. VCF-style: chr1-61404134-A-G. GRCh37 (hg19) VCF-style: chr1-61869806-A-G.
Other names: c.1082A>G, p.His361Arg (NM_001145511.2); c.1241A>G, p.His414Arg (NM_001145512.2); c.1106A>G, p.His369Arg (NM_005595.5); short protein forms H361R, H369R, H414R.
Identifiers: ClinVar variation 2414578 (VCV002414578.6), dbSNP rs948556575, ClinGen allele CA23744579.

ClinVar aggregate classification (germline): Uncertain significance (1 of 4 stars; one submission).

Allele frequency attached by ClinVar (database versions not stated): gnomAD exomes 0.00001.
gnomAD v4.1: 3 of 1,614,042 alleles (0.00019%); highest among the groups gnomAD compares: Non-Finnish European, 0.00025%; no homozygotes.

Submission:

Labcorp Genetics (formerly Invitae), Labcorp
Classification: Uncertain significance. Last evaluated: 2025-12-22. Review status: criteria provided, single submitter. Criteria: Invitae Variant Classification Sherloc (09022015). Collection method: clinical testing. Allele origin: germline.
Comment: This sequence change replaces histidine, which is basic and polar, with arginine, which is basic and polar, at codon 369 of the NFIA protein (p.His369Arg). This variant is present in population databases (no rsID available, gnomAD 0.0009%). This variant has not been reported in the literature in individuals affected with NFIA-related conditions. ClinVar contains an entry for this variant (Variation ID: 2414578). An algorithm developed to predict the effect of missense changes on protein structure and function (PolyPhen-2) suggests that this variant is likely to be disruptive. In summary, the available evidence is currently insufficient to determine the role of this variant in disease. Therefore, it has been classified as a Variant of Uncertain Significance.